The following is an entry in ClinVar:

ClinVar aggregate classification (germline): Likely pathogenic (0 of 4 stars; one submission).

Submission:

Department of Pathology and Laboratory Medicine, Sinai Health System
Classification: Likely pathogenic. Review status: no assertion criteria provided. Collection method: clinical testing. Allele origin: unknown. Affected: yes. Study: The Canadian Open Genetics Repository (COGR).
Comment: The FAM83H p.Leu793Cysfs*181 variant was not identified in the literature nor was it identified in dbSNP, ClinVar, Cosmic, MutDB or LOVD 3.0. The variant was not identified in the following control databases: the 1000 Genomes Project, the NHLBI GO Exome Sequencing Project, the Exome Aggregation Consortium (August 8th 2016), or the Genome Aggregation Database (Feb 27, 2017). The c.2377del variant is predicted to cause a frameshift, which alters the protein's amino acid sequence beginning at codon 793 and leading to a premature stop codon 181 codons downstream. This alteration is then predicted to result in a truncated or absent protein and loss of function. Loss of function variants of the FAM83H gene are an established mechanism of disease in Amelogenesis imperfecta, type IIIA and is the type of variant expected to cause the disorder. Further, MutationTaster predicts this variant to impact the protein. A study examining genotype-phenotype correlations in 5 families with FAM83H mutations causing autosomal-dominant hypocalcified amelogenesis imperfecta showed that the two families with FAM83H variants that left at least the first 694 amino acids intact had a less severe, localized form of the disorder (Wright_2009_PMID: 19407157). As this variant does not affect the first 793 amino acids of the protein, it may also be associated with a less severe form of the disorder. In summary, based on the above information the clinical significance of this variant cannot be determined with certainty at this time although we would lean towards a more pathogenic role for this variant. This variant is classified as likely pathogenic.

NM_198488.5(FAM83H):c.2377del (p.Leu793fs)

Gene: FAM83H (family with sequence similarity 83 member H; minus strand). Cytogenetic location: 8q24.3.
Variant type: Deletion.
Coding change: c.2377del on transcript NM_198488.5 (MANE Select); coding-DNA position 2377, one base deleted (C; older notation c.2377delC).
Protein change: p.Leu793fs; shifts the reading frame from leucine 793.
Molecular consequence: frameshift variant.
Genome position (GRCh38, 1-based): chr8:143,727,084, G deleted on the plus strand (C on the coding strand, the reverse complement: FAM83H is on the minus strand); the first of 2 consecutive G bases (chr8:143,727,084-143,727,085); deleting either gives the same sequence. VCF-style (leftmost placement, unchanged base first): chr8-143727083-AG-A. GRCh37 (hg19) VCF-style: chr8-144809253-AG-A.
Other names: short protein forms L793fs.
Identifiers: ClinVar variation 1049341 (VCV001049341.1), dbSNP rs2129664310, ClinGen allele CA2499219145.